The following is an entry in ClinVar:

NM_005655.4(KLF10):c.499C>T (p.His167Tyr)

Gene: KLF10 (KLF transcription factor 10; minus strand). Cytogenetic location: 8q22.3.
Variant type: single nucleotide variant.
Coding change: c.499C>T on transcript NM_005655.4 (MANE Select); coding-DNA position 499, C replaced by T.
Protein change: p.His167Tyr; replaces histidine 167 with tyrosine.
Molecular consequence: missense variant.
Genome position (GRCh38, 1-based): chr8:102,651,833, G>A on the plus strand (C>T on the coding strand, the complement: KLF10 is on the minus strand). VCF-style: chr8-102651833-G-A. GRCh37 (hg19) VCF-style: chr8-103664061-G-A.
Other names: c.466C>T, p.His156Tyr (NM_001032282.4); short protein forms H156Y, H167Y.
Identifiers: ClinVar variation 2036298 (VCV002036298.4), dbSNP rs757933647, ClinGen allele CA4833595.

ClinVar aggregate classification (germline): Uncertain significance (1 of 4 stars; one submission).

Allele frequency attached by ClinVar (database versions not stated): gnomAD exomes below 0.00001; ExAC 0.00001.

Submission:

Labcorp Genetics (formerly Invitae), Labcorp
Classification: Uncertain significance. Last evaluated: 2022-10-20. Review status: criteria provided, single submitter. Criteria: Invitae Variant Classification Sherloc (09022015). Collection method: clinical testing. Allele origin: germline.
Comment: This sequence change replaces histidine, which is basic and polar, with tyrosine, which is neutral and polar, at codon 167 of the KLF10 protein (p.His167Tyr). This variant is present in population databases (rs757933647, gnomAD 0.0009%). This variant has not been reported in the literature in individuals affected with KLF10-related conditions. Algorithms developed to predict the effect of missense changes on protein structure and function are either unavailable or do not agree on the potential impact of this missense change (SIFT: "Deleterious"; PolyPhen-2: "Benign"; Align-GVGD: "Class C25"). In summary, the available evidence is currently insufficient to determine the role of this variant in disease. Therefore, it has been classified as a Variant of Uncertain Significance.